The following is an entry in ClinVar:

ClinVar aggregate classification (germline): Likely benign. Review status: criteria provided, multiple submitters, no conflicts (2 of 4 stars). 3 submissions from 3 submitters: Likely benign (3). Last evaluated 2026-02-01.

Allele frequency attached by ClinVar (database versions not stated): 1000 Genomes Project 30x 0.00016; 1000 Genomes Project 0.00020; gnomAD 0.00064; ESP Exome Variant Server 0.00066; TOPMed 0.00073.
gnomAD v4.1: 1,702 of 1,613,894 alleles (0.11%); highest among the groups gnomAD compares: Non-Finnish European, 0.13%; no homozygotes.

Submissions (3):

CeGaT Center for Human Genetics Tuebingen
Classification: Likely benign. Last evaluated: 2026-02-01. Review status: criteria provided, single submitter. Criteria: CeGaT Center For Human Genetics Tuebingen Variant Classification Criteria Version 2. Collection method: clinical testing. Allele origin: germline. Affected: yes. Observed: 3 variant alleles.
Comment: HERC1: BP4, BP7

Labcorp Genetics (formerly Invitae), Labcorp
Classification: Likely benign. Last evaluated: 2026-01-23. Review status: criteria provided, single submitter. Criteria: Invitae Variant Classification Sherloc (09022015). Collection method: clinical testing. Allele origin: germline.

Blueprint Genetics
Classification: Likely benign. Last evaluated: 2024-11-14. Review status: criteria provided, single submitter. Criteria: ACMG Guidelines, 2015. Collection method: clinical testing. Allele origin: germline.

NM_003922.4(HERC1):c.7440A>G (p.Gln2480=)

Gene: HERC1 (HECT and RLD domain containing E3 ubiquitin protein ligase family member 1; minus strand). Cytogenetic location: 15q22.31.
Variant type: single nucleotide variant.
Coding change: c.7440A>G on transcript NM_003922.4 (MANE Select); coding-DNA position 7440, A replaced by G.
Protein change: p.Gln2480=; no amino-acid change (glutamine 2480 retained).
Molecular consequence: synonymous variant.
Genome position (GRCh38, 1-based): chr15:63,674,748, T>C on the plus strand (A>G on the coding strand, the complement: HERC1 is on the minus strand). VCF-style: chr15-63674748-T-C. GRCh37 (hg19) VCF-style: chr15-63966947-T-C.
Identifiers: ClinVar variation 774225 (VCV000774225.33), dbSNP rs199635033, ClinGen allele CA7605147.
Genomic context (GRCh38, chr15:63,674,748, plus strand): 5'-CTGGGCTACATCATGGTTTTTGGACATGTGTTCATGATTTTTTCTTTTCCCTTCTGTTAT[T>C]TGATGTTGGGATTCCACACTTGGCAGTGTTGGATCTAAAGAAAATGAAGCGATTTCATTT-3'
Protein context (NP_003913.3, residues 2470-2490): PTLPSVESQH[Gln2480=]ITEGKRKNHE